The following is an entry in ClinVar:

ClinVar aggregate classification (germline): Uncertain significance. Review status: criteria provided, multiple submitters, no conflicts (2 of 4 stars). 3 submissions from 3 submitters: Uncertain significance (3). Last evaluated 2024-02-08.

Conditions:
Familial sleep-related hypermotor epilepsy. Also called: Autosomal Dominant Sleep-Related Hypermotor (Hyperkinetic) Epilepsy. Identifiers: Orphanet 98784, MedGen C3696898, MONDO:0000030.
Inborn genetic diseases. Identifiers: MedGen C0950123, MeSH D030342.

Submissions (3):

GeneDx
Classification: Uncertain significance. Last evaluated: 2024-02-08. Review status: criteria provided, single submitter. Criteria: GeneDx Variant Classification Process June 2021. Collection method: clinical testing. Allele origin: germline. Affected: yes.
Comment: Not observed at significant frequency in large population cohorts (gnomAD); In silico analysis supports that this missense variant has a deleterious effect on protein structure/function; Has not been previously published as pathogenic or benign to our knowledge

Labcorp Genetics (formerly Invitae), Labcorp
Classification: Uncertain significance. Last evaluated: 2023-11-03. Review status: criteria provided, single submitter. Criteria: Invitae Variant Classification Sherloc (09022015). Collection method: clinical testing. Allele origin: germline.
Comment: This sequence change replaces phenylalanine, which is neutral and non-polar, with leucine, which is neutral and non-polar, at codon 618 of the CHRNA4 protein (p.Phe618Leu). This variant is not present in population databases (gnomAD no frequency). This variant has not been reported in the literature in individuals affected with CHRNA4-related conditions. ClinVar contains an entry for this variant (Variation ID: 565952). Advanced modeling of protein sequence and biophysical properties (such as structural, functional, and spatial information, amino acid conservation, physicochemical variation, residue mobility, and thermodynamic stability) performed at Invitae indicates that this missense variant is not expected to disrupt CHRNA4 protein function with a negative predictive value of 80%. In summary, the available evidence is currently insufficient to determine the role of this variant in disease. Therefore, it has been classified as a Variant of Uncertain Significance.

Ambry Genetics
Classification: Uncertain significance for Inborn genetic diseases. Last evaluated: 2023-09-14. Review status: criteria provided, single submitter. Criteria: Ambry Variant Classification Scheme 2023. Collection method: clinical testing. Allele origin: germline.

NM_000744.7(CHRNA4):c.1854C>G (p.Phe618Leu)

Gene: CHRNA4 (cholinergic receptor nicotinic alpha 4 subunit; minus strand). Cytogenetic location: 20q13.33.
Variant type: single nucleotide variant.
Coding change: c.1854C>G on transcript NM_000744.7 (MANE Select); coding-DNA position 1854, C replaced by G.
Protein change: p.Phe618Leu; replaces phenylalanine 618 with leucine.
Molecular consequence: missense variant. On other transcripts: non-coding transcript variant (1).
Genome position (GRCh38, 1-based): chr20:63,346,768, G>C on the plus strand (C>G on the coding strand, the complement: CHRNA4 is on the minus strand). VCF-style: chr20-63346768-G-C. GRCh37 (hg19) VCF-style: chr20-61978120-G-C.
Other names: c.1326C>G, p.Phe442Leu (NM_001256573.2); c.1854C>G (NM_000744.5); short protein forms F618L, F442L.
Identifiers: ClinVar variation 565952 (VCV000565952.9), dbSNP rs1568805215, ClinGen allele CA409630871.